The following is an entry in ClinVar:

NM_007118.4(TRIO):c.7050dup (p.Val2351fs)

Gene: TRIO (trio Rho guanine nucleotide exchange factor; plus strand). Cytogenetic location: 5p15.2.
Variant type: Duplication.
Coding change: c.7050dup on transcript NM_007118.4 (MANE Select); coding-DNA position 7050, one base duplicated (C; older notation c.7050dupC).
Protein change: p.Val2351fs; shifts the reading frame from valine 2351.
Molecular consequence: frameshift variant. On other transcripts: non-coding transcript variant (1).
Genome position (GRCh38, 1-based): chr5:14,487,678, C duplicated; the last of 7 consecutive C bases (chr5:14,487,672-14,487,678); duplicating any one gives the same sequence. VCF-style (leftmost placement, unchanged base first): chr5-14487671-A-AC. GRCh37 (hg19) VCF-style: chr5-14487780-A-AC.
Other names: short protein forms V2351fs.
Identifiers: ClinVar variation 1684083 (VCV001684083.6), dbSNP rs746654944, ClinGen allele CA3207315.

ClinVar aggregate classification (germline): Conflicting classifications of pathogenicity. Review status: criteria provided, conflicting classifications (1 of 4 stars). 3 submissions from 3 submitters: Likely pathogenic (1); Uncertain significance (2). Last evaluated 2026-06-19.

Conditions:
Intellectual developmental disorder, autosomal dominant 44, with microcephaly. Also called: Micrognathia-recurrent infections-behavioral abnormalities-mild intellectual disability syndrome; TRIO-Related Intellectual Disability. Identifiers: Orphanet 476126, MedGen C4310740, MONDO:0014892, OMIM 617061.

Submissions (3):

Victorian Clinical Genetics Services, Murdoch Childrens Research Institute
Classification: Likely pathogenic for Intellectual developmental disorder, autosomal dominant 44, with microcephaly. Last evaluated: 2026-06-19. Review status: criteria provided, single submitter. Criteria: ACMG Guidelines, 2015. Collection method: clinical testing. Allele origin: germline. Affected: yes.
Comment: This variant is classified as Likely pathogenic. Evidence in support of pathogenic classification: Variant is predicted to cause nonsense-mediated decay (NMD) and loss of protein (premature termination codon is located at least 54 nucleotides upstream of the final exon-exon junction); Variant is present in gnomAD <0.001 for a dominant condition (v4: 29 heterozygote(s), 0 homozygote(s)); Other NMD-predicted variants comparable to the one identified in this case have very strong previous evidence for pathogenicity. These variants have been reported many times as pathogenic, and reported in individuals with mild intellectual disability and microcephaly (DECIPHER, PMID: 26721934). Additional information: This variant is heterozygous; This gene is associated with autosomal dominant disease; Previous evidence of pathogenicity for this variant is inconclusive. No published evidence of segregation with disease has been identified for this variant; No published functional evidence has been identified for this variant; Loss of function and gain of function are known mechanisms of disease in this gene. Loss of function variants and missense variants within the RhoGEF domain are associated with autosomal dominant intellectual developmental disorder 44 with microcephaly (MIM#617061). Gain of function missense variants within the 7th spectrin repeat are associated with autosomal dominant intellectual developmental disorder 63 with macrocephaly (MIM#618825) (PMID: 32109419); Variants in this gene are known to have variable expressivity. Variable disease severity has been reported in individuals with loss of function variants in this gene (PMIDs: 26721934, 28796471, 33167890).

GeneDx
Classification: Uncertain significance. Last evaluated: 2024-01-08. Review status: criteria provided, single submitter. Criteria: GeneDx Variant Classification Process June 2021. Collection method: clinical testing. Allele origin: germline. Affected: yes.
Comment: Frameshift variant predicted to result in protein truncation or nonsense mediated decay in a gene for which loss of function is a known mechanism of disease; Has not been previously published as pathogenic or benign to our knowledge; This variant is associated with the following publications: (PMID: 28224356)

Greenwood Genetic Center Diagnostic Laboratories, Greenwood Genetic Center
Classification: Uncertain significance. Last evaluated: 2023-08-31. Review status: criteria provided, single submitter. Criteria: ACMG Guidelines, 2015. Collection method: clinical testing. Allele origin: germline. Affected: yes.
Comment: BS1

Literature cited by the submitters: PubMed 26721934 (cited by Victorian Clinical Genetics Services, Murdoch Childrens Research Institute); PubMed 32109419 (cited by Victorian Clinical Genetics Services, Murdoch Childrens Research Institute); PubMed 28796471 (cited by Victorian Clinical Genetics Services, Murdoch Childrens Research Institute); PubMed 33167890 (cited by Victorian Clinical Genetics Services, Murdoch Childrens Research Institute).